The following is an entry in ClinVar:

ClinVar aggregate classification (germline): Uncertain significance (1 of 4 stars; one submission).

Submission:

CeGaT Center for Human Genetics Tuebingen
Classification: Uncertain significance. Last evaluated: 2025-03-01. Review status: criteria provided, single submitter. Criteria: CeGaT Center For Human Genetics Tuebingen Variant Classification Criteria Version 2. Collection method: clinical testing. Allele origin: germline. Affected: yes. Observed: 1 variant allele.
Comment: CFAP44: PM2, BP4

NM_001164496.2(CFAP44):c.4355A>C (p.Glu1452Ala)

Genes: CFAP44 (cilia and flagella associated protein 44; minus strand), SPICE1-CFAP44 (SPICE1-CFAP44 readthrough (NMD candidate); minus strand). Cytogenetic location: 3q13.2.
Variant type: single nucleotide variant.
Coding change: c.4355A>C on transcript NM_001164496.2 (MANE Select); coding-DNA position 4355, A replaced by C.
Protein change: p.Glu1452Ala; replaces glutamic acid 1452 with alanine.
Molecular consequence: missense variant. On other transcripts: non-coding transcript variant (6).
Genome position (GRCh38, 1-based): chr3:113,326,606, T>G on the plus strand (A>C on the coding strand, the complement: CFAP44 is on the minus strand). VCF-style: chr3-113326606-T-G. GRCh37 (hg19) VCF-style: chr3-113045453-T-G.
Other names: short protein forms E1452A.
Identifiers: ClinVar variation 3778417 (VCV003778417.7).